The following is an entry in ClinVar:

ClinVar aggregate classification (germline): Uncertain significance. Review status: criteria provided, multiple submitters, no conflicts (2 of 4 stars). 8 submissions from 8 submitters: Uncertain significance (7). 1 of the submissions does not count toward it. Last evaluated 2026-04-17.

Conditions:
Cystic fibrosis (CF). Also called: MUCOVISCIDOSIS. Identifiers: Orphanet 586, MedGen C0010674, MONDO:0009061, OMIM 219700. Disease mechanism: loss of function.

Allele frequency attached by ClinVar (database versions not stated): gnomAD 0.00001; TOPMed 0.00001; ESP Exome Variant Server 0.00008; ExAC 0.00001; gnomAD exomes below 0.00001.
gnomAD v4.1: 2 of 1,613,334 alleles (0.00012%); highest among the groups gnomAD compares: Non-Finnish European, 0.000085%; no homozygotes.

Submissions (8):

Women's Health and Genetics/Laboratory Corporation of America, LabCorp
Classification: Uncertain significance. Last evaluated: 2026-04-17. Review status: criteria provided, single submitter. Criteria: LabCorp Variant Classification Summary - May 2015. Collection method: clinical testing. Allele origin: germline.
Comment: Variant summary: CFTR c.3267G>C (p.Trp1089Cys) results in a non-conservative amino acid change in the encoded protein sequence. Algorithms developed to predict the effect of missense changes on protein structure and function all suggest that this variant is likely to be disruptive. The variant allele was found at a frequency of 4e-06 in 251132 control chromosomes. The available data on variant occurrences in the general population are insufficient to allow any conclusion about variant significance. To our knowledge, no occurrence of c.3267G>C in the literature in individuals affected with Cystic Fibrosis and no experimental evidence demonstrating an impact on protein function has been reported. The following publications have been ascertained in the context of this evaluation (PMID: 28152038, 25880441). ClinVar contains an entry for this variant (Variation ID: 432801). Based on the evidence outlined above, the variant was classified as uncertain significance.

Labcorp Genetics (formerly Invitae), Labcorp
Classification: Uncertain significance for Cystic fibrosis. Last evaluated: 2025-10-17. Review status: criteria provided, single submitter. Criteria: Invitae Variant Classification Sherloc (09022015). Collection method: clinical testing. Allele origin: germline.
Comment: This sequence change replaces tryptophan, which is neutral and slightly polar, with cysteine, which is neutral and slightly polar, at codon 1089 of the CFTR protein (p.Trp1089Cys). This variant is present in population databases (rs150020260, gnomAD 0.0009%). This variant has not been reported in the literature in individuals affected with CFTR-related conditions. ClinVar contains an entry for this variant (Variation ID: 432801). Invitae Evidence Modeling of protein sequence and biophysical properties (such as structural, functional, and spatial information, amino acid conservation, physicochemical variation, residue mobility, and thermodynamic stability) indicates that this missense variant is expected to disrupt CFTR protein function with a positive predictive value of 80%. In summary, the available evidence is currently insufficient to determine the role of this variant in disease. Therefore, it has been classified as a Variant of Uncertain Significance.

Genome-Nilou Lab
Classification: Uncertain significance for Cystic fibrosis. Last evaluated: 2021-09-05. Review status: criteria provided, single submitter. Criteria: ACMG Guidelines, 2015. Collection method: clinical testing. Allele origin: germline. Affected: no.

ARUP Laboratories, Molecular Genetics and Genomics, ARUP Laboratories
Classification: Uncertain significance. Last evaluated: 2020-02-25. Review status: criteria provided, single submitter. Criteria: ARUP Molecular Germline Variant Investigation Process. Collection method: clinical testing. Allele origin: germline.
Comment: The CFTR c.3267G>C; p.Trp1089Cys variant (rs150020260), to our knowledge, is not reported in the medical literature in association with disease, but is reported in ClinVar (Variation ID: 432801). This variant is only observed on one allele in the Genome Aggregation Database, indicating it is not a common polymorphism. The tryptophan at codon 1089 is highly conserved, and computational analyses (SIFT, PolyPhen-2) predict that this variant is deleterious. Due to limited information, the clinical significance of the p.Trp1089Cys variant is uncertain at this time.

GeneDx
Classification: Uncertain significance. Last evaluated: 2018-05-21. Review status: criteria provided, single submitter. Criteria: GeneDx Variant Classification (06012015). Collection method: clinical testing. Allele origin: germline. Affected: yes.
Comment: The W1089C variant in the CFTR gene has not been reported previously as a pathogenic variant, nor as a benign variant, to our knowledge. The W1089C variant is not observed at a significant frequency in large population cohorts (Lek et al., 2016; 1000 Genomes Consortium et al., 2015; Exome Variant Server). The W1089C variant is a non-conservative amino acid substitution, which is likely to impact secondary protein structure as these residues differ in polarity, charge, size and/or other properties. This substitution occurs at a position that is conserved across species. In silico analysis predicts this variant is probably damaging to the protein structure/function. We interpret W1089C as a variant of uncertain significance.

Ambry Genetics
Classification: Uncertain significance for Cystic fibrosis. Last evaluated: 2017-10-17. Review status: criteria provided, single submitter. Criteria: Ambry Variant Classification Scheme 2023. Collection method: clinical testing. Allele origin: germline.
Comment: The p.W1089C variant (also known as c.3267G>C), located in coding exon 20 of the CFTR gene, results from a G to C substitution at nucleotide position 3267. The tryptophan at codon 1089 is replaced by cysteine, an amino acid with highly dissimilar properties. This amino acid position is highly conserved in available vertebrate species. In addition, this alteration is predicted to be deleterious by in silico analysis. Since supporting evidence is limited at this time, the clinical significance of this alteration remains unclear.

Quest Diagnostics Nichols Institute San Juan Capistrano
Classification: Uncertain significance. Last evaluated: 2017-01-11. Review status: criteria provided, single submitter. Criteria: Quest Diagnostics criteria. Collection method: clinical testing. Allele origin: germline.

Natera, Inc.
Classification: Uncertain significance for Cystic Fibrosis. Last evaluated: 2020-09-16. Review status: no assertion criteria provided. Collection method: clinical testing. Allele origin: germline. Not counted in ClinVar's aggregate classification.

Literature cited by the submitters: PubMed 28152038 (cited by Women's Health and Genetics/Laboratory Corporation of America, LabCorp); PubMed 25880441 (cited by Women's Health and Genetics/Laboratory Corporation of America, LabCorp).

NM_000492.4(CFTR):c.3267G>C (p.Trp1089Cys)

Genes: CFTR (CF transmembrane conductance regulator; plus strand), CFTR-AS2 (CFTR antisense RNA 2; minus strand), LOC111674472 (DNase I hypersensitive sites in introns 16 and 17a of CFTR; plus strand). Cytogenetic location: 7q31.2.
Variant type: single nucleotide variant.
Coding change: c.3267G>C on transcript NM_000492.4 (MANE Select); coding-DNA position 3267, G replaced by C.
Protein change: p.Trp1089Cys; replaces tryptophan 1089 with cysteine.
Molecular consequence: missense variant.
Genome position (GRCh38, 1-based): chr7:117,611,708, G>C. VCF-style: chr7-117611708-G-C. GRCh37 (hg19) VCF-style: chr7-117251762-G-C.
Other names: short protein forms W1089C.
Identifiers: ClinVar variation 432801 (VCV000432801.18), dbSNP rs150020260, ClinGen allele CA4451413.